The following is an entry in ClinVar:

NM_014339.7(IL17RA):c.1897C>G (p.Leu633Val)

Gene: IL17RA (interleukin 17 receptor A; plus strand). Cytogenetic location: 22q11.1.
Variant type: single nucleotide variant.
Coding change: c.1897C>G on transcript NM_014339.7 (MANE Select); coding-DNA position 1897, C replaced by G.
Protein change: p.Leu633Val; replaces leucine 633 with valine.
Molecular consequence: missense variant.
Genome position (GRCh38, 1-based): chr22:17,109,116, C>G. VCF-style: chr22-17109116-C-G. GRCh37 (hg19) VCF-style: chr22-17590006-C-G.
Other names: c.1795C>G, p.Leu599Val (NM_001289905.2); short protein forms L633V, L599V.
Identifiers: ClinVar variation 542923 (VCV000542923.13), dbSNP rs200880853, ClinGen allele CA10086878.
Genomic context (GRCh38, chr22:17,109,116, plus strand): 5'-CCGGGAACCGGCATCGTGAAGCGGGCGCCCCTGGTGCGCGAGCCTGGCTCCCAGGCCTGC[C>G]TGGCCATAGACCCGCTGGTCGGGGAGGAAGGAGGAGCAGCAGTGGCAAAGCTGGAACCTC-3'
Protein context (NP_055154.3, residues 623-643): LVREPGSQAC[Leu633Val]AIDPLVGEEG

ClinVar aggregate classification (germline): Likely benign. Review status: criteria provided, multiple submitters, no conflicts (2 of 4 stars). 2 submissions from 2 submitters: Likely benign (2). Last evaluated 2025-12-08.

Conditions:
Immunodeficiency 51 (IMD51). Also called: CANDIDIASIS, FAMILIAL, 5. Identifiers: Orphanet 1334, MedGen C4310803, MONDO:0013500, OMIM 613953.
IL17RA-related disorder. Also called: IL17RA-related condition.

Allele frequency attached by ClinVar (database versions not stated): gnomAD exomes 0.00022; ExAC 0.00040; 1000 Genomes Project 30x 0.00078; 1000 Genomes Project 0.00080; ESP Exome Variant Server 0.00082; TOPMed 0.00100; gnomAD 0.00102 and 0.00111.
gnomAD v4.1: 295 of 1,553,650 alleles (0.019%); highest among the groups gnomAD compares: African/African-American, 0.38%; no homozygotes.

Submissions (2):

PreventionGenetics, part of Exact Sciences
Classification: Likely benign for IL17RA-related condition. Last evaluated: 2025-12-08. Review status: criteria provided, single submitter. Criteria: ACMG Guidelines, 2015. Collection method: clinical testing. Allele origin: germline.
Comment: This variant is classified as likely benign based on ACMG/AMP sequence variant interpretation guidelines (Richards et al. 2015 PMID: 25741868, with internal and published modifications).

Labcorp Genetics (formerly Invitae), Labcorp
Classification: Likely benign for Immunodeficiency 51. Last evaluated: 2025-11-03. Review status: criteria provided, single submitter. Criteria: Invitae Variant Classification Sherloc (09022015). Collection method: clinical testing. Allele origin: germline.